The following is an entry in ClinVar:

ClinVar aggregate classification (germline): Pathogenic. Review status: reviewed by expert panel (3 of 4 stars). 30 submissions from 30 submitters: Pathogenic (1). 29 of the submissions do not count toward it. Last evaluated 2016-04-22.

Conditions:
Inherited breast cancer and ovarian cancer.
Hereditary cancer-predisposing syndrome. Also called: Neoplastic Syndromes, Hereditary; Hereditary Cancer Syndrome; Hereditary neoplastic syndrome; Tumor predisposition. Identifiers: Orphanet 140162, MedGen C0027672, MeSH D009386, MONDO:0015356.
Hereditary breast ovarian cancer syndrome. Also called: Hereditary breast and ovarian cancer; Breast and ovarian cancer; BRCA1- and BRCA2-Associated Hereditary Breast and Ovarian Cancer; Hereditary breast and ovarian cancer syndrome; Hereditary breast and/or ovarian cancer syndrome; Hereditary breast and ovarian cancer syndrome (HBOC). Identifiers: Orphanet 145, MedGen C0677776, MeSH D061325, MONDO:0003582. Disease mechanism: loss of function.
Breast-ovarian cancer, familial, susceptibility to, 2 (BROVCA2). Also called: BRCA2 Hereditary Breast and Ovarian Cancer. Identifiers: Orphanet 145, MedGen C2675520, MONDO:0012933, OMIM 612555. Disease mechanism: loss of function.
Familial cancer of breast. Also called: BREAST CANCER, FAMILIAL; Hereditary breast cancer; hereditary breast carcinoma. Identifiers: Orphanet 227535, MedGen C0346153, MONDO:0016419, OMIM 114480. Disease mechanism: loss of function.
Malignant tumor of breast. Also called: Malignant breast neoplasm; Cancer breast. Identifiers: MedGen C0006142, MONDO:0007254. Disease mechanism: loss of function.

Allele frequency attached by ClinVar (database versions not stated): gnomAD 0.00001; gnomAD exomes 0.00001 and below 0.00001; TOPMed below 0.00001.

Submissions 1 to 13 of 30:

Evidence-based Network for the Interpretation of Germline Mutant Alleles (ENIGMA)
Classification: Pathogenic for Breast-ovarian cancer, familial, susceptibility to, 2. Last evaluated: 2016-04-22. Review status: reviewed by expert panel. Criteria: ENIGMA BRCA1/2 Classification Criteria (2015). Collection method: curation. Allele origin: germline.
Comment: Variant allele predicted to encode a truncated non-functional protein.

Cambridge Genomics Laboratory, East Genomic Laboratory Hub, NHS Genomic Medicine Service
Classification: Pathogenic for Inherited breast cancer and ovarian cancer. Last evaluated: 2026-07-17. Review status: criteria provided, single submitter. Criteria: ACGS Best Practice Guidelines for Variant Classification in Rare Disease 2020. Collection method: clinical testing. Allele origin: germline. Affected: yes. Not counted in ClinVar's aggregate classification.
Comment: PVS1,PS4_Very Strong,PM2_Supporting,PM5_Strong

Genetics Laboratory, Great Ormond Street Hospital NHS Foundation Trust, North Thames Genomic Laboratory Hub
Classification: Pathogenic for Inherited breast cancer and ovarian cancer. Last evaluated: 2026-06-23. Review status: criteria provided, single submitter. Criteria: CanVIG BRCA Gene Specific V1.22. Collection method: clinical testing. Allele origin: germline. Affected: yes. Not counted in ClinVar's aggregate classification.
Comment: PS4_very-strong, PM2_supporting, PVS1_very-strong, PM5_strong

Labcorp Genetics (formerly Invitae), Labcorp
Classification: Pathogenic for Hereditary breast ovarian cancer syndrome. Last evaluated: 2026-01-26. Review status: criteria provided, single submitter. Criteria: Invitae Variant Classification Sherloc (09022015). Collection method: clinical testing. Allele origin: germline. Not counted in ClinVar's aggregate classification.
Comment: This sequence change creates a premature translational stop signal (p.Gln2859Lysfs*4) in the BRCA2 gene. It is expected to result in an absent or disrupted protein product. Loss-of-function variants in BRCA2 are known to be pathogenic (PMID: 20104584). This variant is present in population databases (rs80359718, gnomAD no frequency). This premature translational stop signal has been observed in individual(s) with prostate cancer and breast cancer (PMID: 11304778, 20104584, 23704984, 26360800, 27083775, 27433846). This variant is also known as 8803delC. ClinVar contains an entry for this variant (Variation ID: 38169). For these reasons, this variant has been classified as Pathogenic.

Color Diagnostics, LLC DBA Color Health
Classification: Pathogenic for Hereditary cancer-predisposing syndrome. Last evaluated: 2025-07-14. Review status: criteria provided, single submitter. Criteria: ACMG Guidelines, 2015. Collection method: clinical testing. Allele origin: germline. Not counted in ClinVar's aggregate classification.
Comment: This variant deletes 1 nucleotide in exon 20 of the BRCA2 gene, creating a frameshift and premature translation stop signal. This variant is expected to result in an absent or non-functional protein product. This variant has been reported in individuals affected with breast and/or ovarian cancer (PMID: 11304778, 16847550, 17148771, 18703817, 20104584, 21324516, 23704984, 25395318, 27083775), and prostate cancer (PMID: 27433846). This variant has been identified in 1/251220 chromosomes in the general population by the Genome Aggregation Database (gnomAD). Loss of BRCA2 function is a known mechanism of disease. Based on the available evidence, this variant is classified as Pathogenic.

St. Jude Molecular Pathology, St. Jude Children's Research Hospital
Classification: Pathogenic for Breast-ovarian cancer, familial, susceptibility to, 2. Last evaluated: 2025-06-17. Review status: criteria provided, single submitter. Criteria: St. Jude Assertion Criteria 2020. Collection method: clinical testing. Allele origin: germline. Not counted in ClinVar's aggregate classification.
Comment: The BRCA2 c.8575del p.(Gln2859LysfsTer4) change deletes one nucleotide to cause a frameshift and the creation of a premature stop codon. This change is predicted to cause protein truncation or absence of protein due to nonsense-mediated decay. This variant has been reported in individuals with BRCA2-associated cancers (PMID: 10359546, 21324516, 27433846). In summary, this variant meets criteria to be classified as pathogenic.

Molecular Pathology, Peter Maccallum Cancer Centre
Classification: Pathogenic for Breast-ovarian cancer, familial, susceptibility to, 2. Last evaluated: 2025-06-10. Review status: criteria provided, single submitter. Criteria: ACMG Guidelines, 2015. Collection method: clinical testing. Allele origin: germline. Inheritance: Autosomal dominant inheritance. Not counted in ClinVar's aggregate classification.

Mayo Clinic Laboratories, Mayo Clinic
Classification: Pathogenic. Last evaluated: 2025-06-09. Review status: criteria provided, single submitter. Criteria: ACMG Guidelines, 2015. Collection method: clinical testing. Allele origin: germline. Observed: 1 variant allele. Not counted in ClinVar's aggregate classification.
Comment: PM5_strong, PVS1

Center for Genomic Medicine, Rigshospitalet, Copenhagen University Hospital
Classification: Pathogenic. Last evaluated: 2025-03-04. Review status: criteria provided, single submitter. Criteria: ACMG Guidelines, 2015. Collection method: clinical testing. Allele origin: germline. Not counted in ClinVar's aggregate classification.

Quest Diagnostics Nichols Institute San Juan Capistrano
Classification: Pathogenic. Last evaluated: 2025-02-05. Review status: criteria provided, single submitter. Criteria: Quest Diagnostics criteria. Collection method: clinical testing. Allele origin: unknown. Not counted in ClinVar's aggregate classification.
Comment: The BRCA2 c.8575del (p.Gln2859Lysfs*4) variant alters the translational reading frame of the BRCA2 mRNA and causes the premature termination of BRCA2 protein synthesis. This variant has been reported in the published literature in individuals with breast cancer (PMID: 33471991 (2021), 23704984 (2013), 20104584 (2010)), male breast cancer (PMID: 26360800 (2016)), prostate cancer (PMID: 27433846 (2016)), ovarian cancer (PMID: 28888541 (2017)), and pancreatic cancer (PMID: 34399810 (2021), 32073954 (2020)). The frequency of this variant in the general population (Genome Aggregation Database) is consistent with pathogenicity. Based on the available information, this variant is classified as pathogenic.

Ambry Genetics
Classification: Pathogenic for Hereditary cancer-predisposing syndrome. Last evaluated: 2024-09-27. Review status: criteria provided, single submitter. Criteria: Ambry Variant Classification Scheme 2023. Collection method: clinical testing. Allele origin: germline. Not counted in ClinVar's aggregate classification.
Comment: The c.8575delC pathogenic mutation, located in coding exon 19 of the BRCA2 gene, results from a deletion of one nucleotide at nucleotide position 8575, causing a translational frameshift with a predicted alternate stop codon (p.Q2859Kfs*4). This mutation has been reported in several individuals diagnosed with hereditary breast and ovarian cancer (HBOC) syndrome (Peto J et al. J. Natl. Cancer Inst. 1999 Jun;91:943-9; Risch HA et al. J Natl Cancer Inst, 2006 Dec;98:1694-706; Giannini G et al. Breast Cancer Res. Treat. 2006 Nov;100:83-91; Zhang S et al. Gynecol. Oncol. 2011 May;121:353-7; Seifert BA et al. Clin Cancer Res, 2016 Aug;22:4087-4094; Roed Nielsen H et al. Acta Oncol. 2016 Sep;55:38-44; Nguyen-Dumont T et al. BMC Cancer, 2018 02;18:165; Rebbeck TR et al. Hum Mutat, 2018 05;39:593-620; Petridis C et al. Breast Cancer Res, 2019 05;21:58; Dorling et al. N Engl J Med. 2021 02;384:428-439). This mutation has also been identified in 1/692 men with metastatic prostate cancer who were unselected for family history of cancer or age at diagnosis (Pritchard CC et al. N. Engl. J. Med. 2016 Aug;375:443-53), as well as an individual with lymphoma (Sprissler R et al. Cancers (Basel), 2020 Jun;12). Of note, this alteration is also designated as 8803delC in published literature. In addition to the clinical data presented in the literature, this alteration is expected to result in loss of function by premature protein truncation or nonsense-mediated mRNA decay. As such, this alteration is interpreted as a disease-causing mutation.

Department of Clinical Genetics, Copenhagen University Hospital, Rigshospitalet
Classification: Pathogenic for Breast-ovarian cancer, familial, susceptibility to, 2. Last evaluated: 2024-05-27. Review status: criteria provided, single submitter. Criteria: ACMG Guidelines, 2015. Collection method: clinical testing. Allele origin: germline. Affected: yes. Not counted in ClinVar's aggregate classification.
Comment: PVS1; PM5_PTC_Strong

Baylor Genetics
Classification: Pathogenic for Familial cancer of breast. Last evaluated: 2024-01-26. Review status: criteria provided, single submitter. Criteria: ACMG Guidelines, 2015. Collection method: clinical testing. Allele origin: unknown. Not counted in ClinVar's aggregate classification.

NM_000059.4(BRCA2):c.8575del (p.Gln2859fs)

Gene: BRCA2 (BRCA2 DNA repair associated; plus strand). Cytogenetic location: 13q13.1.
Variant type: Deletion.
Coding change: c.8575del on transcript NM_000059.4 (MANE Select); coding-DNA position 8575, one base deleted (C; older notation c.8575delC).
Protein change: p.Gln2859fs; shifts the reading frame from glutamine 2859.
Molecular consequence: frameshift variant.
Genome position (GRCh38, 1-based): chr13:32,371,043, C deleted. VCF-style (leftmost placement, unchanged base first): chr13-32371042-AC-A. GRCh37 (hg19) VCF-style: chr13-32945179-AC-A.
Other names: 8803delC; c.8575delC (NM_000059.3).
Identifiers: ClinVar variation 38169 (VCV000038169.71), dbSNP rs80359718, ClinGen allele CA025719.